The following is an entry in ClinVar:

NM_001277062.2(MFF):c.699G>A (p.Thr233=)

Gene: MFF (mitochondrial fission factor; plus strand). Cytogenetic location: 2q36.3.
Variant type: single nucleotide variant.
Coding change: c.699G>A on transcript NM_001277062.2 (MANE Select); coding-DNA position 699, G replaced by A.
Protein change: p.Thr233=; no amino-acid change (threonine 233 retained).
Molecular consequence: synonymous variant. On other transcripts: non-coding transcript variant (1).
Genome position (GRCh38, 1-based): chr2:227,355,716, G>A. VCF-style: chr2-227355716-G-A. GRCh37 (hg19) VCF-style: chr2-228220432-G-A.
Other names: c.852G>A, p.Thr284= (NM_001277061.2, NM_020194.5); c.555G>A, p.Thr185= (NM_001277063.2); c.540G>A, p.Thr180= (NM_001277064.2); c.480G>A, p.Thr160= (NM_001277065.2, NM_001277066.2); c.489G>A, p.Thr163= (NM_001277067.1); c.582G>A, p.Thr194= (NM_001277068.1).
Identifiers: ClinVar variation 512924 (VCV000512924.8), dbSNP rs142676012, ClinGen allele CA2148055.

ClinVar aggregate classification (germline): Likely benign. Review status: criteria provided, multiple submitters, no conflicts (2 of 4 stars). 2 submissions from 2 submitters: Likely benign (2). Last evaluated 2023-07-12.

Allele frequency attached by ClinVar (database versions not stated): ESP Exome Variant Server 0.00023; TOPMed 0.00033.
gnomAD v4.1: 77 of 1,611,866 alleles (0.0048%); highest among the groups gnomAD compares: African/African-American, 0.094%; no homozygotes.

Submissions (2):

Labcorp Genetics (formerly Invitae), Labcorp
Classification: Likely benign. Last evaluated: 2023-07-12. Review status: criteria provided, single submitter. Criteria: Invitae Variant Classification Sherloc (09022015). Collection method: clinical testing. Allele origin: germline.

GeneDx
Classification: Likely benign. Last evaluated: 2017-11-08. Review status: criteria provided, single submitter. Criteria: GeneDx Variant Classification (06012015). Collection method: clinical testing. Allele origin: germline. Affected: yes.
Comment: This variant is considered likely benign or benign based on one or more of the following criteria: it is a conservative change, it occurs at a poorly conserved position in the protein, it is predicted to be benign by multiple in silico algorithms, and/or has population frequency not consistent with disease.